The following is an entry in ClinVar:

ClinVar aggregate classification (germline): Uncertain significance (1 of 4 stars; one submission).

Allele frequency attached by ClinVar (database versions not stated): TOPMed 0.00001.

Submission:

Labcorp Genetics (formerly Invitae), Labcorp
Classification: Uncertain significance. Last evaluated: 2023-08-02. Review status: criteria provided, single submitter. Criteria: Invitae Variant Classification Sherloc (09022015). Collection method: clinical testing. Allele origin: germline.
Comment: This variant is not present in population databases (gnomAD no frequency). This sequence change replaces glycine, which is neutral and non-polar, with cysteine, which is neutral and slightly polar, at codon 239 of the SLCO5A1 protein (p.Gly239Cys). This variant has not been reported in the literature in individuals affected with SLCO5A1-related conditions. In summary, the available evidence is currently insufficient to determine the role of this variant in disease. Therefore, it has been classified as a Variant of Uncertain Significance. An algorithm developed to predict the effect of missense changes on protein structure and function (PolyPhen-2) suggests that this variant is likely to be tolerated.

NM_030958.3(SLCO5A1):c.715G>T (p.Gly239Cys)

Gene: SLCO5A1 (solute carrier organic anion transporter family member 5A1; minus strand). Cytogenetic location: 8q13.3.
Variant type: single nucleotide variant.
Coding change: c.715G>T on transcript NM_030958.3 (MANE Select); coding-DNA position 715, G replaced by T.
Protein change: p.Gly239Cys; replaces glycine 239 with cysteine.
Molecular consequence: missense variant.
Genome position (GRCh38, 1-based): chr8:69,831,959, C>A on the plus strand (G>T on the coding strand, the complement: SLCO5A1 is on the minus strand). VCF-style: chr8-69831959-C-A. GRCh37 (hg19) VCF-style: chr8-70744194-C-A.
Other names: c.715G>T, p.Gly239Cys (NM_001146008.2, NM_001146009.1); short protein forms G239C.
Identifiers: ClinVar variation 2874472 (VCV002874472.3), dbSNP rs1296350527, ClinGen allele CA371269011.